The following is an entry in ClinVar:

ClinVar aggregate classification (germline): Uncertain significance. Review status: criteria provided, multiple submitters, no conflicts (2 of 4 stars). 2 submissions from 2 submitters: Uncertain significance (2). Last evaluated 2024-04-26.

Conditions:
Nemaline myopathy 10 (NEM10). Identifiers: MedGen C4015360, MONDO:0014513, OMIM 616165.
Inborn genetic diseases. Identifiers: MedGen C0950123, MeSH D030342.

Allele frequency attached by ClinVar (database versions not stated): gnomAD 0.00001; TOPMed 0.00007; gnomAD exomes 0.00009 and 0.00017; ExAC 0.00012.

Submissions (2):

Ambry Genetics
Classification: Uncertain significance for Inborn genetic diseases. Last evaluated: 2024-04-26. Review status: criteria provided, single submitter. Criteria: Ambry Variant Classification Scheme 2023. Collection method: clinical testing. Allele origin: germline.

Labcorp Genetics (formerly Invitae), Labcorp
Classification: Uncertain significance for Nemaline myopathy 10. Last evaluated: 2022-08-31. Review status: criteria provided, single submitter. Criteria: Invitae Variant Classification Sherloc (09022015). Collection method: clinical testing. Allele origin: germline.
Comment: This sequence change replaces aspartic acid, which is acidic and polar, with asparagine, which is neutral and polar, at codon 481 of the LMOD3 protein (p.Asp481Asn). This variant is present in population databases (rs750502860, gnomAD 0.1%). This variant has not been reported in the literature in individuals affected with LMOD3-related conditions. ClinVar contains an entry for this variant (Variation ID: 542082). Algorithms developed to predict the effect of missense changes on protein structure and function (SIFT, PolyPhen-2, Align-GVGD) all suggest that this variant is likely to be tolerated. In summary, the available evidence is currently insufficient to determine the role of this variant in disease. Therefore, it has been classified as a Variant of Uncertain Significance.

NM_198271.5(LMOD3):c.1441G>A (p.Asp481Asn)

Gene: LMOD3 (leiomodin 3; minus strand). Cytogenetic location: 3p14.1.
Variant type: single nucleotide variant.
Coding change: c.1441G>A on transcript NM_198271.5 (MANE Select); coding-DNA position 1441, G replaced by A.
Protein change: p.Asp481Asn; replaces aspartic acid 481 with asparagine.
Molecular consequence: missense variant.
Genome position (GRCh38, 1-based): chr3:69,118,914, C>T on the plus strand (G>A on the coding strand, the complement: LMOD3 is on the minus strand). VCF-style: chr3-69118914-C-T. GRCh37 (hg19) VCF-style: chr3-69168065-C-T.
Other names: c.1441G>A, p.Asp481Asn (NM_001304418.3); c.1441G>A (NM_198271.3); short protein forms D481N.
Identifiers: ClinVar variation 542082 (VCV000542082.9), dbSNP rs750502860, ClinGen allele CA2488778.